The following is an entry in ClinVar:

NM_001042492.3(NF1):c.1528-9dup

Gene: NF1 (neurofibromin 1; plus strand). Cytogenetic location: 17q11.2.
Variant type: Duplication.
Coding change: c.1528-9dup on transcript NM_001042492.3 (MANE Select); 9 bases into the intron before coding-DNA position 1528, one base duplicated (T; older notation c.1528-9dupT).
Molecular consequence: intron variant.
Genome position (GRCh38, 1-based): chr17:31,218,996, T duplicated; the last of 7 consecutive T bases (chr17:31,218,990-31,218,996); duplicating any one gives the same sequence. VCF-style (leftmost placement, unchanged base first): chr17-31218989-C-CT. GRCh37 (hg19) VCF-style: chr17-29546007-C-CT.
Other names: c.1528-9dup (NM_000267.4, NM_001128147.3); c.1528-9dupT (NM_000267.3).
Identifiers: ClinVar variation 633338 (VCV000633338.11), dbSNP rs776722942, ClinGen allele CA913190926.

ClinVar aggregate classification (germline): Benign/Likely benign. Review status: criteria provided, multiple submitters, no conflicts (2 of 4 stars). 3 submissions from 3 submitters: Benign (1); Likely benign (2). Last evaluated 2026-05-11.

Conditions:
Neurofibromatosis, type 1 (NF1). Also called: Neurofibromatosis, type I; VON RECKLINGHAUSEN DISEASE; NEUROFIBROMATOSIS, TYPE I, SOMATIC; Peripheral type neurofibromatosis. Identifiers: Orphanet 636, MedGen C0027831, MONDO:0018975, OMIM 162200. Disease mechanism: loss of function.

Submissions (3):

Myriad Genetics, Inc.
Classification: Likely benign for Neurofibromatosis, type 1. Last evaluated: 2026-05-11. Review status: criteria provided, single submitter. Criteria: Myriad Autosomal Dominant, Autosomal Recessive and X-Linked Classification Criteria (2023). Collection method: clinical testing. Allele origin: unknown.
Comment: This variant is considered likely benign. This variant is intronic and is not expected to impact mRNA splicing.

Labcorp Genetics (formerly Invitae), Labcorp
Classification: Benign for Neurofibromatosis, type 1. Last evaluated: 2025-07-07. Review status: criteria provided, single submitter. Criteria: Invitae Variant Classification Sherloc (09022015). Collection method: clinical testing. Allele origin: germline.

Women's Health and Genetics/Laboratory Corporation of America, LabCorp
Classification: Likely benign. Last evaluated: 2025-01-06. Review status: criteria provided, single submitter. Criteria: LabCorp Variant Classification Summary - May 2015. Collection method: clinical testing. Allele origin: germline.
Comment: Variant summary: NF1 c.1528-9dupT alters a non-conserved nucleotide located at a position not widely known to affect splicing. Consensus agreement among computation tools predict no significant impact on normal splicing. However, these predictions have yet to be confirmed by functional studies. The frequency data for this variant in gnomAD is considered unreliable, as metrics indicate poor data quality at this position. To our knowledge, no occurrence of c.1528-9dupT in individuals affected with Neurofibromatosis Type 1 and no experimental evidence demonstrating its impact on protein function have been reported. ClinVar contains an entry for this variant (Variation ID: 633338). Based on the evidence outlined above, the variant was classified as likely benign.

Literature cited by the submitters: PubMed 10678181 (cited by Women's Health and Genetics/Laboratory Corporation of America, LabCorp); PubMed 23460398 (cited by Women's Health and Genetics/Laboratory Corporation of America, LabCorp); PubMed 29872168 (cited by Women's Health and Genetics/Laboratory Corporation of America, LabCorp); PubMed 27069254 (cited by Women's Health and Genetics/Laboratory Corporation of America, LabCorp).